The following is an entry in ClinVar:

NM_018344.6(SLC29A3):c.182G>A (p.Gly61Asp)

Gene: SLC29A3 (solute carrier family 29 member 3; plus strand). Cytogenetic location: 10q22.1.
Variant type: single nucleotide variant.
Coding change: c.182G>A on transcript NM_018344.6 (MANE Select); coding-DNA position 182, G replaced by A.
Protein change: p.Gly61Asp; replaces glycine 61 with aspartic acid.
Molecular consequence: missense variant. On other transcripts: 5 prime UTR variant (1), non-coding transcript variant (2).
Genome position (GRCh38, 1-based): chr10:71,322,936, G>A. VCF-style: chr10-71322936-G-A. GRCh37 (hg19) VCF-style: chr10-73082693-G-A.
Other names: c.182G>A, p.Gly61Asp (NM_001174098.2); c.-53G>A (NM_001363518.2); short protein forms G61D.
Identifiers: ClinVar variation 1432504 (VCV001432504.4), dbSNP rs2131796885, ClinGen allele CA377129245.

ClinVar aggregate classification (germline): Uncertain significance (1 of 4 stars; one submission).

Conditions:
H syndrome. Also called: HISTIOCYTOSIS AND LYMPHADENOPATHY WITH OR WITHOUT CUTANEOUS, CARDIAC, AND/OR ENDOCRINE FEATURES, JOINT CONTRACTURES, AND/OR DEAFNESS; HYPERPIGMENTATION, CUTANEOUS, WITH HYPERTRICHOSIS, HEPATOSPLENOMEGALY, HEART ANOMALIES, AND HYPOGONADISM WITH OR WITHOUT HEARING LOSS; PIGMENTED HYPERTRICHOSIS WITH INSULIN-DEPENDENT DIABETES MELLITUS; ROSAI-DORFMAN DISEASE, FAMILIAL; SINUS HISTIOCYTOSIS AND MASSIVE LYMPHADENOPATHY; Hyperpigmentation, Cutaneous, with Hypertrichosis, Hepatosplenomegaly, Heart Anomalies, Hearing Loss, and Hypogonadism. Identifiers: Orphanet 168569, MedGen C1864445, MONDO:0011273, OMIM 602782.

Submission:

Labcorp Genetics (formerly Invitae), Labcorp
Classification: Uncertain significance for H syndrome. Last evaluated: 2021-09-01. Review status: criteria provided, single submitter. Criteria: Invitae Variant Classification Sherloc (09022015). Collection method: clinical testing. Allele origin: germline.
Comment: Algorithms developed to predict the effect of missense changes on protein structure and function are either unavailable or do not agree on the potential impact of this missense change (SIFT: "Deleterious"; PolyPhen-2: "Probably Damaging"; Align-GVGD: "Class C0"). This variant has not been reported in the literature in individuals affected with SLC29A3-related conditions. This variant is not present in population databases (ExAC no frequency). This sequence change replaces glycine with aspartic acid at codon 61 of the SLC29A3 protein (p.Gly61Asp). The glycine residue is highly conserved and there is a moderate physicochemical difference between glycine and aspartic acid. In summary, the available evidence is currently insufficient to determine the role of this variant in disease. Therefore, it has been classified as a Variant of Uncertain Significance.